The following is an entry in ClinVar:

NM_022124.6(CDH23):c.2568C>G (p.Ile856Met)

Gene: CDH23 (cadherin related 23; plus strand). Cytogenetic location: 10q22.1.
Variant type: single nucleotide variant.
Coding change: c.2568C>G on transcript NM_022124.6 (MANE Select); coding-DNA position 2568, C replaced by G.
Protein change: p.Ile856Met; replaces isoleucine 856 with methionine.
Molecular consequence: missense variant.
Genome position (GRCh38, 1-based): chr10:71,702,192, C>G. VCF-style: chr10-71702192-C-G. GRCh37 (hg19) VCF-style: chr10-73461949-C-G.
Other names: c.2568C>G, p.Ile856Met (NM_001171930.2, NM_001171931.2); short protein forms I856M.
Identifiers: ClinVar variation 300416 (VCV000300416.45), dbSNP rs188498736, ClinGen allele CA5544251.

ClinVar aggregate classification (germline): Conflicting classifications of pathogenicity. Review status: criteria provided, conflicting classifications (1 of 4 stars). 8 submissions from 7 submitters: Uncertain significance (2); Benign (3); Likely benign (2). 1 of the submissions does not count toward it. Last evaluated 2026-01-20.

Conditions:
Usher syndrome type 1 (USH1). Also called: RETINITIS PIGMENTOSA AND CONGENITAL DEAFNESS. Identifiers: Orphanet 231169, Orphanet 886, MedGen C1568247, MONDO:0010168, OMIM 276900.
Autosomal recessive nonsyndromic hearing loss 12. Also called: DEAFNESS, AUTOSOMAL RECESSIVE 12. Identifiers: Orphanet 90636, MedGen C1832394, MONDO:0011067, OMIM 601386.
CDH23-related disorder. Also called: CDH23-related disorders; CDH23-related condition.
Usher syndrome type 1D (USH1D). Also called: USHER SYNDROME, TYPE ID. Identifiers: Orphanet 231169, Orphanet 886, MedGen C1832845, MONDO:0010984, OMIM 601067.

Allele frequency attached by ClinVar (database versions not stated): ESP Exome Variant Server 0.00032; TOPMed 0.00034; 1000 Genomes Project 30x 0.00109; 1000 Genomes Project 0.00120; gnomAD 0.00530 and 0.00561.
gnomAD v4.1: 4,543 of 1,613,792 alleles (0.28%); highest among the groups gnomAD compares: Non-Finnish European, 0.04%; 120 homozygotes.

Submissions (8):

Labcorp Genetics (formerly Invitae), Labcorp
Classification: Benign. Last evaluated: 2026-01-20. Review status: criteria provided, single submitter. Criteria: Invitae Variant Classification Sherloc (09022015). Collection method: clinical testing. Allele origin: germline.

PreventionGenetics, part of Exact Sciences
Classification: Likely benign for CDH23-related condition. Last evaluated: 2025-10-06. Review status: criteria provided, single submitter. Criteria: ACMG Guidelines, 2015. Collection method: clinical testing. Allele origin: germline.
Comment: This variant is classified as likely benign based on ACMG/AMP sequence variant interpretation guidelines (Richards et al. 2015 PMID: 25741868, with internal and published modifications).

CeGaT Center for Human Genetics Tuebingen
Classification: Likely benign. Last evaluated: 2022-11-01. Review status: criteria provided, single submitter. Criteria: CeGaT Center For Human Genetics Tuebingen Variant Classification Criteria Version 2. Collection method: clinical testing. Allele origin: germline. Affected: yes. Observed: 1 variant allele.
Comment: CDH23: BS2

Laboratory for Molecular Medicine, Mass General Brigham Personalized Medicine
Classification: Benign. Last evaluated: 2019-05-21. Review status: criteria provided, single submitter. Criteria: LMM Criteria. Collection method: clinical testing. Allele origin: germline. Observed: 2 variant alleles.
Comment: The p.Ile856Met variant in CDH23 is classified as benign because it has been identified in 6.3% (1575/24996) of Finnish chromosomes by gnomAD, including a total of 61 homozygous individuals. ACMG/AMP Criteria applied: BA1.

GeneDx
Classification: Benign. Last evaluated: 2018-03-05. Review status: criteria provided, single submitter. Criteria: GeneDx Variant Classification (06012015). Collection method: clinical testing. Allele origin: germline. Affected: yes.
Comment: This variant is considered likely benign or benign based on one or more of the following criteria: it is a conservative change, it occurs at a poorly conserved position in the protein, it is predicted to be benign by multiple in silico algorithms, and/or has population frequency not consistent with disease.

Illumina Laboratory Services, Illumina
Classification: Uncertain significance for Usher syndrome type 1D. Last evaluated: 2018-01-12. Review status: criteria provided, single submitter. Criteria: ICSL Variant Classification Criteria 13 December 2019. Collection method: clinical testing. Allele origin: germline.

Illumina Laboratory Services, Illumina
Classification: Uncertain significance for Autosomal recessive nonsyndromic hearing loss 12. Last evaluated: 2018-01-12. Review status: criteria provided, single submitter. Criteria: ICSL Variant Classification Criteria 13 December 2019. Collection method: clinical testing. Allele origin: germline.

Natera, Inc.
Classification: Benign for Usher syndrome type 1. Last evaluated: 2020-04-15. Review status: no assertion criteria provided. Collection method: clinical testing. Allele origin: germline. Not counted in ClinVar's aggregate classification.

Literature cited by the submitters: PubMed 30245029 (cited by Laboratory for Molecular Medicine, Mass General Brigham Personalized Medicine); PubMed 24618850 (cited by Laboratory for Molecular Medicine, Mass General Brigham Personalized Medicine).